The following is an entry in ClinVar:

ClinVar aggregate classification (germline): Uncertain significance (1 of 4 stars; one submission).

gnomAD v4.1: 1 of 1,613,882 alleles (0.000062%); highest among the groups gnomAD compares: Non-Finnish European, 0.000085%; no homozygotes.

Submission:

GeneDx
Classification: Uncertain significance. Last evaluated: 2025-07-15. Review status: criteria provided, single submitter. Criteria: GeneDx Variant Classification Process June 2021. Collection method: clinical testing. Allele origin: germline. Affected: yes.
Comment: Reported de novo in a proband from a large cohort study with autism spectrum disorder, but detailed clinical information was not provided (PMID: 28191890, 28714951, 31785789, 35982159, 35982160); Nonsense variant predicted to result in protein truncation or nonsense mediated decay in a gene or region of a gene for which loss-of-function is not an established mechanism of disease; Not observed at significant frequency in large population cohorts (gnomAD); This variant is associated with the following publications: (PMID: 28191890, 35982159, 35982160, 31785789, 28714951)

NM_138792.4(LEO1):c.1663C>T (p.Arg555Ter)

Gene: LEO1 (LEO1 component of Paf1/RNA polymerase II complex; minus strand). Cytogenetic location: 15q21.2.
Variant type: single nucleotide variant.
Coding change: c.1663C>T on transcript NM_138792.4 (MANE Select); coding-DNA position 1663, C replaced by T.
Protein change: p.Arg555Ter; replaces arginine 555 with a stop codon.
Molecular consequence: nonsense.
Genome position (GRCh38, 1-based): chr15:51,949,943, G>A on the plus strand (C>T on the coding strand, the complement: LEO1 is on the minus strand). VCF-style: chr15-51949943-G-A. GRCh37 (hg19) VCF-style: chr15-52242140-G-A.
Other names: c.1483C>T, p.Arg495Ter (NM_001286430.2); c.1663C>T, p.Arg555Ter (NM_001323903.2, NM_001323904.2, NM_001426597.1 and 1 more transcripts); short protein forms R495*, R555*.
Identifiers: ClinVar variation 4686124 (VCV004686124.1).